The following is an entry in ClinVar:

NM_018670.4(MESP1):c.185G>A (p.Arg62Gln)

Genes: MESP1 (mesoderm posterior bHLH transcription factor 1; minus strand), LOC130057889 (ATAC-STARR-seq lymphoblastoid silent region 6804; plus strand). Cytogenetic location: 15q26.1.
Variant type: single nucleotide variant.
Coding change: c.185G>A on transcript NM_018670.4 (MANE Select); coding-DNA position 185, G replaced by A.
Protein change: p.Arg62Gln; replaces arginine 62 with glutamine.
Molecular consequence: missense variant.
Genome position (GRCh38, 1-based): chr15:89,751,047, C>T on the plus strand (G>A on the coding strand, the complement: MESP1 is on the minus strand). VCF-style: chr15-89751047-C-T. GRCh37 (hg19) VCF-style: chr15-90294278-C-T.
Other names: short protein forms R62Q.
Identifiers: ClinVar variation 4779026 (VCV004779026.1).
Genomic context (GRCh38, chr15:89,751,047, plus strand): 5'-CCGCTGCCCAGGCGGCTGCTGCGCGCGCCGCGCCTACCTACGGAGGGGGCGCGGGGGTCC[C>T]GGAGGGTGCCTGGCCGCGCGGGGCTCGCCACGGGGCTGTCGGCTGGGGTGCTGCCCCATG-3'
Protein context (NP_061140.1, residues 52-72): VASPARPGTL[Arg62Gln]DPRAPSVGRR

ClinVar aggregate classification (germline): Uncertain significance (1 of 4 stars; one submission).

Submission:

Labcorp Genetics (formerly Invitae), Labcorp
Classification: Uncertain significance. Last evaluated: 2025-05-04. Review status: criteria provided, single submitter. Criteria: Invitae Variant Classification Sherloc (09022015). Collection method: clinical testing. Allele origin: germline.
Comment: This sequence change replaces arginine, which is basic and polar, with glutamine, which is neutral and polar, at codon 62 of the MESP1 protein (p.Arg62Gln). This variant is present in population databases (no rsID available, gnomAD 0.008%). This variant has not been reported in the literature in individuals affected with MESP1-related conditions. An algorithm developed to predict the effect of missense changes on protein structure and function outputs the following: PolyPhen-2: "Benign". The glutamine amino acid residue is found in multiple mammalian species, which suggests that this missense change does not adversely affect protein function. In summary, the available evidence is currently insufficient to determine the role of this variant in disease. Therefore, it has been classified as a Variant of Uncertain Significance.